The following is an entry in ClinVar:

ClinVar aggregate classification (germline): Uncertain significance (1 of 4 stars; one submission).

Conditions:
Developmental and epileptic encephalopathy. Identifiers: MedGen C5779964, MONDO:0100620.

Submission:

Labcorp Genetics (formerly Invitae), Labcorp
Classification: Uncertain significance for Early-infantile DEE. Last evaluated: 2017-11-13. Review status: criteria provided, single submitter. Criteria: Invitae Variant Classification Sherloc (09022015). Collection method: clinical testing. Allele origin: germline.
Comment: This variant is a gross duplication of the genomic region encompassing exon 1 of the KCNH5 gene. The 5' end of this event is unknown as it extends beyond the assayed region for this gene and therefore may encompass additional genes. The 3' boundary is likely confined to intron 1 of the KCNH5 gene. The exact location of this variant in the genome is unknown. Duplication of exon 1 has not been reported in the literature in individuals with a KCNH5-related disease. Experimental studies and prediction algorithms are not available for this variant, and the functional significance of this duplication is currently unknown. In summary, the genomic location of this duplication is unknown and the impact of this variant on KCNH5 protein function has not been established. Therefore, it has been classified as a Variant of Uncertain Significance.

NC_000014.8:g.(?_63511812)_(63511924_?)dup

Gene: KCNH5 (potassium voltage-gated channel subfamily H member 5; minus strand). Cytogenetic location: 14q23.2.
Variant type: Duplication.
Identifiers: ClinVar variation 530657 (VCV000530657.2).